The following is an entry in ClinVar:

ClinVar aggregate classification (germline): Likely pathogenic (1 of 4 stars; one submission).

gnomAD v4.1: 2 of 1,610,502 alleles (0.00012%); highest among the groups gnomAD compares: Non-Finnish European, 0.00017%; no homozygotes.

Submission:

Labcorp Genetics (formerly Invitae), Labcorp
Classification: Likely pathogenic. Last evaluated: 2026-01-01. Review status: criteria provided, single submitter. Criteria: Invitae Variant Classification Sherloc (09022015). Collection method: clinical testing. Allele origin: germline.
Comment: This sequence change affects a donor splice site in intron 17 of the ASPM gene. It is expected to disrupt RNA splicing. Variants that disrupt the donor or acceptor splice site typically lead to a loss of protein function (PMID: 16199547), and loss-of-function variants in ASPM are known to be pathogenic (PMID: 19028728, 23611254). This variant is not present in population databases (gnomAD no frequency). This variant has not been reported in the literature in individuals affected with ASPM-related conditions. ClinVar contains an entry for this variant (Variation ID: 3680435). Algorithms developed to predict the effect of sequence changes on RNA splicing suggest that this variant may disrupt the consensus splice site. In summary, the currently available evidence indicates that the variant is pathogenic, but additional data are needed to prove that conclusively. Therefore, this variant has been classified as Likely Pathogenic.

Literature cited by the submitters: PubMed 16199547; PubMed 19028728; PubMed 23611254.

NM_018136.5(ASPM):c.4065+1G>A

Gene: ASPM (assembly factor for spindle microtubules; minus strand). Cytogenetic location: 1q31.3.
Variant type: single nucleotide variant.
Coding change: c.4065+1G>A on transcript NM_018136.5 (MANE Select); the canonical splice donor site of the intron after coding-DNA position 4065, G replaced by A.
Molecular consequence: splice donor variant.
Genome position (GRCh38, 1-based): chr1:197,117,788, C>T on the plus strand (G>A on the coding strand, the complement: ASPM is on the minus strand). VCF-style: chr1-197117788-C-T. GRCh37 (hg19) VCF-style: chr1-197086918-C-T.
Other names: c.4065+1G>A (NM_001206846.2).
Identifiers: ClinVar variation 3680435 (VCV003680435.2).